The following is an entry in ClinVar:

NM_020547.3(AMHR2):c.160C>T (p.Arg54Cys)

Gene: AMHR2 (anti-Mullerian hormone receptor type 2; plus strand). Cytogenetic location: 12q13.13.
Variant type: single nucleotide variant.
Coding change: c.160C>T on transcript NM_020547.3 (MANE Select); coding-DNA position 160, C replaced by T.
Protein change: p.Arg54Cys; replaces arginine 54 with cysteine.
Molecular consequence: missense variant.
Genome position (GRCh38, 1-based): chr12:53,424,398, C>T. VCF-style: chr12-53424398-C-T. GRCh37 (hg19) VCF-style: chr12-53818182-C-T.
Other names: c.160C>T, p.Arg54Cys (NM_001164690.2, NM_001164691.2); short protein forms R54C.
Identifiers: ClinVar variation 3366389 (VCV003366389.1).
Genomic context (GRCh38, chr12:53,424,398, plus strand): 5'-GGAAGCACAAAGACACTGGGAGAGCTGCTAGATACAGGCACAGAGCTCCCCAGAGCTATC[C>T]GCTGCCTCTACAGCCGCTGCTGCTTTGGGATCTGGAACCTGACCCAAGACCGGGCACAGG-3'
Protein context (NP_065434.1, residues 44-64): DTGTELPRAI[Arg54Cys]CLYSRCCFGI

ClinVar aggregate classification (germline): Likely pathogenic (1 of 4 stars; one submission).

Conditions:
Persistent Mullerian duct syndrome (PMDS). Also called: PERSISTENT MULLERIAN DUCT SYNDROME, TYPES I AND II; HERNIA UTERI INGUINALE; FEMALE GENITAL DUCTS IN OTHERWISE NORMAL MALE; PERSISTENT OVIDUCT SYNDROME; PSEUDOHERMAPHRODITISM, MALE INTERNAL. Identifiers: Orphanet 2856, MedGen C1849930, MONDO:0009857, OMIM 261550.

gnomAD v4.1: 29 of 1,613,622 alleles (0.0018%); highest among the groups gnomAD compares: South Asian, 0.024%; 1 homozygote.

Submission:

Women's Health and Genetics/Laboratory Corporation of America, LabCorp
Classification: Likely pathogenic for Persistent Mullerian duct syndrome. Last evaluated: 2024-08-08. Review status: criteria provided, single submitter. Criteria: LabCorp Variant Classification Summary - May 2015. Collection method: clinical testing. Allele origin: germline.
Comment: Variant summary: AMHR2 c.160C>T (p.Arg54Cys) results in a non-conservative amino acid change in the encoded protein sequence. Five of five in-silico tools predict a damaging effect of the variant on protein function. The variant allele was found at a frequency of 6.4e-05 in 250270 control chromosomes in the gnomAD database, including 1 homozygotes. This frequency is not significantly higher than estimated for a pathogenic variant in AMHR2 causing Persistent Mullerian duct syndrome, allowing no conclusion about variant significance. c.160C>T has been reported in the literature in the compound heterozygous state in at least 2 individuals affected with Persistent Mullerian duct syndrome (example, Imbeaud_1996, Tian_2022), including at least 1 individual carrying a pathogenic variant in trans. These data indicate that the variant may be associated with disease. At least one publication reports experimental evidence evaluating an impact on protein function. In vitro experiments showed this variant prevented binding of the ligand protein (encoded by AMH) and also eliminated the activation of a target gene by AMH, suggesting the activation pathway is disrupted by this variant (example, Belville_2009). The following publications have been ascertained in the context of this evaluation (PMID: 19457927, 8872466, 34810374). No submitters have cited clinical-significance assessments for this variant to ClinVar. Based on the evidence outlined above, the variant was classified as likely pathogenic.

Literature cited by the submitters: PubMed 19457927; PubMed 8872466; PubMed 34810374.